The following is an entry in ClinVar:

ClinVar aggregate classification (germline): Uncertain significance. Review status: criteria provided, multiple submitters, no conflicts (2 of 4 stars). 2 submissions from 2 submitters: Uncertain significance (2). Last evaluated 2025-09-10.

gnomAD v4.1: 10 of 1,521,388 alleles (0.00066%); highest among the groups gnomAD compares: Non-Finnish European, 0.00079%; no homozygotes.

Submissions (2):

Ambry Genetics
Classification: Uncertain significance. Last evaluated: 2025-09-10. Review status: criteria provided, single submitter. Criteria: Ambry Variant Classification Scheme 2023. Collection method: clinical testing. Allele origin: germline.

GeneDx
Classification: Uncertain significance. Last evaluated: 2024-03-01. Review status: criteria provided, single submitter. Criteria: GeneDx Variant Classification Process June 2021. Collection method: clinical testing. Allele origin: germline. Affected: yes.
Comment: Not observed at significant frequency in large population cohorts (gnomAD); In silico analysis supports that this missense variant does not alter protein structure/function; Has not been previously published as pathogenic or benign to our knowledge

NM_004807.3(HS6ST1):c.512C>T (p.Ala171Val)

Genes: HS6ST1 (heparan sulfate 6-O-sulfotransferase 1; minus strand), LOC129934748 (ATAC-STARR-seq lymphoblastoid silent region 11948; plus strand). Cytogenetic location: 2q14.3.
Variant type: single nucleotide variant.
Coding change: c.512C>T on transcript NM_004807.3 (MANE Select); coding-DNA position 512, C replaced by T.
Protein change: p.Ala171Val; replaces alanine 171 with valine.
Molecular consequence: missense variant.
Genome position (GRCh38, 1-based): chr2:128,318,052, G>A on the plus strand (C>T on the coding strand, the complement: HS6ST1 is on the minus strand). VCF-style: chr2-128318052-G-A. GRCh37 (hg19) VCF-style: chr2-129075626-G-A.
Other names: short protein forms A171V.
Identifiers: ClinVar variation 3369895 (VCV003369895.2).